The following is an entry in ClinVar:

ClinVar aggregate classification (germline): Conflicting classifications of pathogenicity. Review status: criteria provided, conflicting classifications (1 of 4 stars). 2 submissions from 2 submitters: Uncertain significance (1); Likely benign (1). Last evaluated 2024-01-29.

Conditions:
Capillary malformation-arteriovenous malformation syndrome. Also called: Capillary malformation-arteriovenous malformation. Identifiers: Orphanet 137667, MedGen C1842180, MONDO:0012016.
Cardiovascular phenotype. Identifiers: MedGen CN230736.

Allele frequency attached by ClinVar (database versions not stated): TOPMed below 0.00001; gnomAD exomes 0.00001 and 0.00002; ExAC 0.00004.
gnomAD v4.1: 4 of 1,611,400 alleles (0.00025%); highest among the groups gnomAD compares: Non-Finnish European, 0.00025%; no homozygotes.

Submissions (2):

Ambry Genetics
Classification: Likely benign for Cardiovascular phenotype. Last evaluated: 2024-01-29. Review status: criteria provided, single submitter. Criteria: Ambry Variant Classification Scheme 2023. Collection method: clinical testing. Allele origin: germline.

Labcorp Genetics (formerly Invitae), Labcorp
Classification: Uncertain significance for Capillary malformation-arteriovenous malformation syndrome. Last evaluated: 2023-10-05. Review status: criteria provided, single submitter. Criteria: Invitae Variant Classification Sherloc (09022015). Collection method: clinical testing. Allele origin: germline.
Comment: This sequence change replaces glycine, which is neutral and non-polar, with serine, which is neutral and polar, at codon 63 of the RASA1 protein (p.Gly63Ser). This variant is present in population databases (rs749218158, gnomAD 0.005%). This variant has not been reported in the literature in individuals affected with RASA1-related conditions. ClinVar contains an entry for this variant (Variation ID: 1056417). An algorithm developed to predict the effect of missense changes on protein structure and function (PolyPhen-2) suggests that this variant is likely to be disruptive. In summary, the available evidence is currently insufficient to determine the role of this variant in disease. Therefore, it has been classified as a Variant of Uncertain Significance.

NM_002890.3(RASA1):c.187G>A (p.Gly63Ser)

Gene: RASA1 (RAS p21 protein activator 1; plus strand). Cytogenetic location: 5q14.3.
Variant type: single nucleotide variant.
Coding change: c.187G>A on transcript NM_002890.3 (MANE Select); coding-DNA position 187, G replaced by A.
Protein change: p.Gly63Ser; replaces glycine 63 with serine.
Molecular consequence: missense variant.
Genome position (GRCh38, 1-based): chr5:87,268,638, G>A. VCF-style: chr5-87268638-G-A. GRCh37 (hg19) VCF-style: chr5-86564455-G-A.
Other names: short protein forms G63S.
Identifiers: ClinVar variation 1056417 (VCV001056417.10), dbSNP rs749218158, ClinGen allele CA3335345.